The following is an entry in ClinVar:

NM_078480.3(PUF60):c.1342C>T (p.Arg448Ter)

Gene: PUF60 (poly(U) binding splicing factor 60; minus strand). Cytogenetic location: 8q24.3.
Variant type: single nucleotide variant.
Coding change: c.1342C>T on transcript NM_078480.3 (MANE Select); coding-DNA position 1342, C replaced by T.
Protein change: p.Arg448Ter; replaces arginine 448 with a stop codon.
Molecular consequence: nonsense.
Genome position (GRCh38, 1-based): chr8:143,816,948, G>A on the plus strand (C>T on the coding strand, the complement: PUF60 is on the minus strand). VCF-style: chr8-143816948-G-A. GRCh37 (hg19) VCF-style: chr8-144899118-G-A.
Other names: c.1213C>T, p.Arg405Ter (NM_001136033.3); c.1288C>T, p.Arg430Ter (NM_001271096.2); c.1204C>T, p.Arg402Ter (NM_001271097.2); c.1339C>T, p.Arg447Ter (NM_001271098.2); c.1255C>T, p.Arg419Ter (NM_001271099.2); c.1162C>T, p.Arg388Ter (NM_001271100.2); c.1453C>T, p.Arg485Ter (NM_001362895.2, NM_001362896.2); c.1402C>T, p.Arg468Ter (NM_001362897.2); and 1 more; short protein forms R448*, R402*, R405*, R485*, R388*, R419*, R431*, R447*.
Identifiers: ClinVar variation 599206 (VCV000599206.9), dbSNP rs1563819620, ClinGen allele CA372486558.

ClinVar aggregate classification (germline): Pathogenic. Review status: criteria provided, multiple submitters, no conflicts (2 of 4 stars). 7 submissions from 7 submitters: Pathogenic (6). 1 of the submissions does not count toward it. Last evaluated 2025-12-05.

Conditions:
PUF60-related disorder. Also called: PUF60-related condition.
8q24.3 microdeletion syndrome. Also called: CHROMOSOME 8q24.3 DELETION SYNDROME; Verheij syndrome. Identifiers: Orphanet 508488, MedGen C3810023, MONDO:0014263, OMIM 615583.

Submissions (7):

GeneDx
Classification: Pathogenic. Last evaluated: 2025-12-05. Review status: criteria provided, single submitter. Criteria: GeneDx Variant Classification Process June 2021. Collection method: clinical testing. Allele origin: germline.
Comment: Nonsense variant predicted to result in protein truncation, as the last 112 amino acid(s) are lost, and other loss-of-function variants have been reported downstream in HGMD; Not observed at significant frequency in large population cohorts (gnomAD); This variant is associated with the following publications: (PMID: 33057194, 35982159, 27804958)

3billion
Classification: Pathogenic for 8q24.3 microdeletion syndrome. Last evaluated: 2025-05-21. Review status: criteria provided, single submitter. Criteria: ACMG Guidelines, 2015. Collection method: clinical testing. Allele origin: germline. Affected: yes.
Comment: The variant is not observed in the gnomAD v4.1.0 dataset. Predicted Consequence/Location: Stop-gained (nonsense): predicted to result in a loss or disruption of normal protein function through protein truncation. Multiple pathogenic variants are reported in the predicted truncated region. The variant has been reported at least twice as pathogenic with clinical assertions and evidence for the classification (ClinVar ID: VCV000599206 /PMID: 27804958). Therefore, this variant is classified as Pathogenic according to the recommendation of ACMG/AMP guideline.

Blueprint Genetics
Classification: Pathogenic for PUF60-related disorders. Last evaluated: 2024-08-20. Review status: criteria provided, single submitter. Criteria: ACMG Guidelines, 2015. Collection method: clinical testing. Allele origin: de novo. Affected: yes. Observed: 1 variant allele.

Center for Personalized Medicine, Children's Hospital Los Angeles
Classification: Pathogenic. Last evaluated: 2022-12-21. Review status: criteria provided, single submitter. Criteria: ACMG Guidelines, 2015. Collection method: clinical testing. Allele origin: de novo. Affected: yes.

Department of Genetics, Rouen University Hospital, Normandy Center for Genomic and Personalized Medicine
Classification: Pathogenic for 8q24.3 microdeletion syndrome. Last evaluated: 2021-06-18. Review status: criteria provided, single submitter. Criteria: ACMG Guidelines, 2015. Collection method: clinical testing. Allele origin: de novo. Affected: yes.

Institute of Human Genetics Munich, TUM University Hospital
Classification: Pathogenic for 8q24.3 microdeletion syndrome. Last evaluated: 2020-11-09. Review status: criteria provided, single submitter. Criteria: Classification criteria August 2017. Collection method: clinical testing. Allele origin: germline. Inheritance: Autosomal dominant inheritance. Affected: yes. Observed: 1 variant allele.

OMIM
Classification: Pathogenic for VERHEIJ SYNDROME. Last evaluated: 2018-12-21. Review status: no assertion criteria provided. Collection method: literature only. Allele origin: germline. Not counted in ClinVar's aggregate classification.

Literature cited by the submitters: PubMed 27804958 (cited by 3billion and OMIM).